The following is an entry in ClinVar:

ClinVar aggregate classification (germline): Uncertain significance (1 of 4 stars; one submission).

Conditions:
Aicardi-Goutieres syndrome 7 (AGS7). Identifiers: Orphanet 51, MedGen C3888244, MONDO:0014367, OMIM 615846.
Singleton-Merten syndrome 1 (SGMRT1). Also called: Widened medullary cavities of bone, aortic calcification, abnormal dentition, and muscular weakness; Syndrome of widened medullary cavities of the metacarpals and phalanges, aortic calcification and abnormal dentition. Identifiers: Orphanet 85191, MedGen C4225427, MONDO:0024535, OMIM 182250.

gnomAD v4.1: 5 of 1,608,608 alleles (0.00031%); highest among the groups gnomAD compares: Non-Finnish European, 0.00034%; no homozygotes.

Submission:

Labcorp Genetics (formerly Invitae), Labcorp
Classification: Uncertain significance for Aicardi-Goutieres syndrome 7; Singleton-Merten syndrome 1. Last evaluated: 2025-12-11. Review status: criteria provided, single submitter. Criteria: Invitae Variant Classification Sherloc (09022015). Collection method: clinical testing. Allele origin: germline.
Comment: This sequence change replaces glycine, which is neutral and non-polar, with aspartic acid, which is acidic and polar, at codon 431 of the IFIH1 protein (p.Gly431Asp). This variant is present in population databases (rs762413474, gnomAD 0.002%). This variant has not been reported in the literature in individuals affected with IFIH1-related conditions. Invitae Evidence Modeling of protein sequence and biophysical properties (such as structural, functional, and spatial information, amino acid conservation, physicochemical variation, residue mobility, and thermodynamic stability) has been performed for this missense variant. However, the output from this modeling did not meet the statistical confidence thresholds required to predict the impact of this variant on IFIH1 protein function. In summary, the available evidence is currently insufficient to determine the role of this variant in disease. Therefore, it has been classified as a Variant of Uncertain Significance.

NM_022168.4(IFIH1):c.1292G>A (p.Gly431Asp)

Gene: IFIH1 (interferon induced with helicase C domain 1; minus strand). Cytogenetic location: 2q24.2.
Variant type: single nucleotide variant.
Coding change: c.1292G>A on transcript NM_022168.4 (MANE Select); coding-DNA position 1292, G replaced by A.
Protein change: p.Gly431Asp; replaces glycine 431 with aspartic acid.
Molecular consequence: missense variant.
Genome position (GRCh38, 1-based): chr2:162,282,380, C>T on the plus strand (G>A on the coding strand, the complement: IFIH1 is on the minus strand). VCF-style: chr2-162282380-C-T. GRCh37 (hg19) VCF-style: chr2-163138890-C-T.
Other names: short protein forms G431D.
Identifiers: ClinVar variation 4792938 (VCV004792938.1).
Genomic context (GRCh38, chr2:162,282,380, plus strand): 5'-CAATATTACTATTAATTTTTTTAAAAAAATAAACACTTAAACTGACCTGACAATTGAACA[C>T]CAGCATCTTCTCCATTTTCCAAGTTTAAGAGGGAGTTTTCAAGGATTTGAGCTGTACTGA-3'
Protein context (NP_071451.2, residues 421-441): LLNLENGEDA[Gly431Asp]VQLSDFSLII